The following is an entry in ClinVar:

NM_080605.4(B3GALT6):c.144T>G (p.Pro48=)

Gene: B3GALT6 (beta-1,3-galactosyltransferase 6; plus strand). Cytogenetic location: 1p36.33.
Variant type: single nucleotide variant.
Coding change: c.144T>G on transcript NM_080605.4 (MANE Select); coding-DNA position 144, T replaced by G.
Protein change: p.Pro48=; no amino-acid change (proline 48 retained).
Molecular consequence: synonymous variant.
Genome position (GRCh38, 1-based): chr1:1,232,422, T>G. VCF-style: chr1-1232422-T-G. GRCh37 (hg19) VCF-style: chr1-1167802-T-G.
Identifiers: ClinVar variation 3234582 (VCV003234582.20), dbSNP rs1484410915, ClinGen allele CA415760847.

ClinVar aggregate classification (germline): Likely benign (1 of 4 stars; one submission).

Allele frequency attached by ClinVar (database versions not stated): TOPMed below 0.00001; gnomAD 0.00001.

Submission:

CeGaT Center for Human Genetics Tuebingen
Classification: Likely benign. Last evaluated: 2024-04-01. Review status: criteria provided, single submitter. Criteria: CeGaT Center For Human Genetics Tuebingen Variant Classification Criteria Version 2. Collection method: clinical testing. Allele origin: germline. Affected: yes. Observed: 1 variant allele.
Comment: B3GALT6: BP4, BP7